The following is an entry in ClinVar:

ClinVar aggregate classification (germline): Uncertain significance (1 of 4 stars; one submission).

Conditions:
Myofibrillar myopathy 5. Also called: Filaminopathy (type); FILAMINOPATHY, AUTOSOMAL DOMINANT. Identifiers: Orphanet 171445, MedGen C1836050, MONDO:0012289, OMIM 609524.
Distal myopathy with posterior leg and anterior hand involvement. Also called: WILLIAMS DISTAL MYOPATHY. Identifiers: Orphanet 63273, MedGen C3279722, MONDO:0013550, OMIM 614065.
Hypertrophic cardiomyopathy 26. Also called: Cardiomyopathy, familial hypertrophic, 26. Identifiers: Orphanet 75249, MedGen C4310749, MONDO:0014883, OMIM 617047.

Submission:

Labcorp Genetics (formerly Invitae), Labcorp
Classification: Uncertain significance for Distal myopathy with posterior leg and anterior hand involvement; Myofibrillar myopathy 5; Hypertrophic cardiomyopathy 26. Last evaluated: 2022-06-24. Review status: criteria provided, single submitter. Criteria: Invitae Variant Classification Sherloc (09022015). Collection method: clinical testing. Allele origin: germline.
Comment: In summary, the available evidence is currently insufficient to determine the role of this variant in disease. Therefore, it has been classified as a Variant of Uncertain Significance. Algorithms developed to predict the effect of sequence changes on RNA splicing suggest that this variant may create or strengthen a splice site. This variant has not been reported in the literature in individuals affected with FLNC-related conditions. This variant is not present in population databases (gnomAD no frequency). This sequence change falls in intron 47 of the FLNC gene. It does not directly change the encoded amino acid sequence of the FLNC protein.

NM_001458.5(FLNC):c.7990+11G>A

Genes: FLNC-AS1 (FLNC antisense RNA 1; minus strand), FLNC (filamin C; plus strand). Cytogenetic location: 7q32.1.
Variant type: single nucleotide variant.
Coding change: c.7990+11G>A on transcript NM_001458.5 (MANE Select); 11 bases into the intron after coding-DNA position 7990, G replaced by A.
Molecular consequence: intron variant.
Genome position (GRCh38, 1-based): chr7:128,858,228, G>A. VCF-style: chr7-128858228-G-A. GRCh37 (hg19) VCF-style: chr7-128498282-G-A.
Other names: c.7891+11G>A (NM_001127487.2).
Identifiers: ClinVar variation 2201917 (VCV002201917.4), dbSNP rs779393533, ClinGen allele CA2580076618.